The following is an entry in ClinVar:

NM_004104.5(FASN):c.1622C>T (p.Thr541Ile)

Gene: FASN (fatty acid synthase; minus strand). Cytogenetic location: 17q25.3.
Variant type: single nucleotide variant.
Coding change: c.1622C>T on transcript NM_004104.5 (MANE Select); coding-DNA position 1622, C replaced by T.
Protein change: p.Thr541Ile; replaces threonine 541 with isoleucine.
Molecular consequence: missense variant.
Genome position (GRCh38, 1-based): chr17:82,090,940, G>A on the plus strand (C>T on the coding strand, the complement: FASN is on the minus strand). VCF-style: chr17-82090940-G-A. GRCh37 (hg19) VCF-style: chr17-80048816-G-A.
Other names: short protein forms T541I.
Identifiers: ClinVar variation 2107918 (VCV002107918.4), dbSNP rs917903665, ClinGen allele CA295137360.

ClinVar aggregate classification (germline): Uncertain significance (1 of 4 stars; one submission).

Conditions:
Epileptic encephalopathy. Identifiers: MedGen C0543888, HP:0200134.

Allele frequency attached by ClinVar (database versions not stated): gnomAD exomes below 0.00001; TOPMed below 0.00001; gnomAD 0.00001.

Submission:

Labcorp Genetics (formerly Invitae), Labcorp
Classification: Uncertain significance for Epileptic encephalopathy. Last evaluated: 2022-05-17. Review status: criteria provided, single submitter. Criteria: Invitae Variant Classification Sherloc (09022015). Collection method: clinical testing. Allele origin: germline.
Comment: In summary, the available evidence is currently insufficient to determine the role of this variant in disease. Therefore, it has been classified as a Variant of Uncertain Significance. Algorithms developed to predict the effect of missense changes on protein structure and function (SIFT, PolyPhen-2, Align-GVGD) all suggest that this variant is likely to be tolerated. This variant has not been reported in the literature in individuals affected with FASN-related conditions. This variant is present in population databases (no rsID available, gnomAD 0.007%). This sequence change replaces threonine, which is neutral and polar, with isoleucine, which is neutral and non-polar, at codon 541 of the FASN protein (p.Thr541Ile).